The following is an entry in ClinVar:

ClinVar aggregate classification (germline): Uncertain significance (1 of 4 stars; one submission).

Conditions:
Hereditary pancreatitis (PCTT). Also called: Hereditary chronic pancreatitis; PRSS1-Related Hereditary Pancreatitis. Identifiers: Orphanet 676, MedGen C0238339, MONDO:0008185, OMIM 167800.

Submission:

Ambry Genetics
Classification: Uncertain significance for Hereditary pancreatitis. Last evaluated: 2025-11-20. Review status: criteria provided, single submitter. Criteria: Ambry Variant Classification Scheme 2023. Collection method: clinical testing. Allele origin: germline.
Comment: The p.A341P variant (also known as c.1021G>C), located in coding exon 9 of the CPA1 gene, results from a G to C substitution at nucleotide position 1021. The alanine at codon 341 is replaced by proline, an amino acid with highly similar properties. This amino acid position is conserved. In addition, this alteration is predicted to be tolerated by in silico analysis. Based on the available evidence, the clinical significance of this variant remains unclear.

NM_001868.4(CPA1):c.1021G>C (p.Ala341Pro)

Gene: CPA1 (carboxypeptidase A1; plus strand). Cytogenetic location: 7q32.2.
Variant type: single nucleotide variant.
Coding change: c.1021G>C on transcript NM_001868.4 (MANE Select); coding-DNA position 1021, G replaced by C.
Protein change: p.Ala341Pro; replaces alanine 341 with proline.
Molecular consequence: missense variant.
Genome position (GRCh38, 1-based): chr7:130,385,872, G>C. VCF-style: chr7-130385872-G-C. GRCh37 (hg19) VCF-style: chr7-130025713-G-C.
Other names: short protein forms A341P.
Identifiers: ClinVar variation 4559710 (VCV004559710.1).